The following is an entry in ClinVar:

NM_001430.5(EPAS1):c.1092G>T (p.Lys364Asn)

Gene: EPAS1 (endothelial PAS domain protein 1; plus strand). Cytogenetic location: 2p21.
Variant type: single nucleotide variant.
Coding change: c.1092G>T on transcript NM_001430.5 (MANE Select); coding-DNA position 1092, G replaced by T.
Protein change: p.Lys364Asn; replaces lysine 364 with asparagine.
Molecular consequence: missense variant.
Genome position (GRCh38, 1-based): chr2:46,376,596, G>T. VCF-style: chr2-46376596-G-T. GRCh37 (hg19) VCF-style: chr2-46603735-G-T.
Other names: short protein forms K364N.
Identifiers: ClinVar variation 1789755 (VCV001789755.2), dbSNP rs1684753038, ClinGen allele CA346703163.

ClinVar aggregate classification (germline): Uncertain significance (1 of 4 stars; one submission).

Conditions:
Inborn genetic diseases. Identifiers: MedGen C0950123, MeSH D030342.

Submission:

Ambry Genetics
Classification: Uncertain significance for Inborn genetic diseases. Last evaluated: 2021-12-10. Review status: criteria provided, single submitter. Criteria: Ambry Variant Classification Scheme 2023. Collection method: clinical testing. Allele origin: germline.
Comment: The p.K364N variant (also known as c.1092G>T), located in coding exon 9 of the EPAS1 gene, results from a G to T substitution at nucleotide position 1092. The lysine at codon 364 is replaced by asparagine, an amino acid with similar properties. This amino acid position is conserved. In addition, this alteration is predicted to be tolerated by in silico analysis. Since supporting evidence is limited at this time, the clinical significance of this alteration remains unclear.